The following is an entry in ClinVar:

NM_006182.4(DDR2):c.2013C>A (p.Pro671=)

Gene: DDR2 (discoidin domain receptor tyrosine kinase 2; plus strand). Cytogenetic location: 1q23.3.
Variant type: single nucleotide variant.
Coding change: c.2013C>A on transcript NM_006182.4 (MANE Select); coding-DNA position 2013, C replaced by A.
Protein change: p.Pro671=; no amino-acid change (proline 671 retained).
Molecular consequence: synonymous variant.
Genome position (GRCh38, 1-based): chr1:162,775,808, C>A. VCF-style: chr1-162775808-C-A. GRCh37 (hg19) VCF-style: chr1-162745598-C-A.
Other names: c.2013C>A, p.Pro671= (NM_001014796.3, NM_001354982.2, NM_001354983.2).
Identifiers: ClinVar variation 3771140 (VCV003771140.13).

ClinVar aggregate classification (germline): Likely benign (1 of 4 stars; one submission).

gnomAD v4.1: 1 of 1,614,064 alleles (0.000062%); highest among the groups gnomAD compares: Non-Finnish European, 0.000085%; no homozygotes.

Submission:

CeGaT Center for Human Genetics Tuebingen
Classification: Likely benign. Last evaluated: 2024-12-01. Review status: criteria provided, single submitter. Criteria: CeGaT Center For Human Genetics Tuebingen Variant Classification Criteria Version 2. Collection method: clinical testing. Allele origin: germline. Affected: yes. Observed: 1 variant allele.
Comment: DDR2: BP4, BP7